The following is an entry in ClinVar:

ClinVar aggregate classification (germline): Uncertain significance (1 of 4 stars; one submission).

Submission:

Women's Health and Genetics/Laboratory Corporation of America, LabCorp
Classification: Uncertain significance. Last evaluated: 2024-04-26. Review status: criteria provided, single submitter. Criteria: LabCorp Variant Classification Summary - May 2015. Collection method: clinical testing. Allele origin: germline.
Comment: Variant summary: GBA1 c.711G>T (p.Lys237Asn) results in a non-conservative amino acid change located in the Glycosyl hydrolase family 30 TIM-barrel domain (IPR033452) of the encoded protein sequence. Four of five in-silico tools predict a damaging effect of the variant on protein function. The variant was absent in 1614064 control chromosomes. The available data on variant occurrences in the general population are insufficient to allow any conclusion about variant significance. To our knowledge, no occurrence of c.711G>T in individuals affected with Gaucher Disease and no experimental evidence demonstrating its impact on protein function have been reported. A different variant affecting the same codon has been classified as pathogenic by our lab (c.709A>G, p.Lys237Glu) however this evidence is not sufficient associate this variant with disease. No submitters have cited clinical-significance assessments for this variant to ClinVar. Based on the evidence outlined above, the variant was classified as uncertain significance.

NM_000157.4(GBA1):c.711G>T (p.Lys237Asn)

Genes: GBA1 (glucosylceramidase beta 1; minus strand), LOC106627981 (GBA recombination region; plus strand). Cytogenetic location: 1q22.
Variant type: single nucleotide variant.
Coding change: c.711G>T on transcript NM_000157.4 (MANE Select); coding-DNA position 711, G replaced by T.
Protein change: p.Lys237Asn; replaces lysine 237 with asparagine.
Molecular consequence: missense variant.
Genome position (GRCh38, 1-based): chr1:155,238,184, C>A on the plus strand (G>T on the coding strand, the complement: GBA1 is on the minus strand). VCF-style: chr1-155238184-C-A. GRCh37 (hg19) VCF-style: chr1-155207975-C-A.
Other names: c.711G>T, p.Lys237Asn (NM_001005741.3, NM_001005742.3); c.450G>T, p.Lys150Asn (NM_001171811.2); c.564G>T, p.Lys188Asn (NM_001171812.2); short protein forms K150N, K188N, K237N.
Identifiers: ClinVar variation 3251645 (VCV003251645.1), dbSNP rs74486098.